The following is an entry in ClinVar:

NM_000284.4(PDHA1):c.900-3_922dup

Gene: PDHA1 (pyruvate dehydrogenase E1 subunit alpha 1; plus strand). Cytogenetic location: Xp22.12.
Variant type: Duplication.
Coding change: c.900-3_922dup on transcript NM_000284.4 (MANE Select); 3 bases into the intron before coding-DNA position 900 through coding-DNA position 922, 26 bases duplicated (TAGTTACCGTACACGAGAAGAAATTC).
Molecular consequence: splice acceptor variant.
Genome position (GRCh38, 1-based): chrX:19,358,913-19,358,938, TAGTTACCGTACACGAGAAGAAATTC duplicated. VCF-style (leftmost placement, unchanged base first): chrX-19358912-A-ATAGTTACCGTACACGAGAAGAAATTC. GRCh37 (hg19) VCF-style: chrX-19377030-A-ATAGTTACCGTACACGAGAAGAAATTC.
Other names: c.1014-3_1036dup (NM_001173454.2); c.921-3_943dup (NM_001173455.2); c.807-3_829dup (NM_001173456.2).
Identifiers: ClinVar variation 4070492 (VCV004070492.1).

ClinVar aggregate classification (germline): Likely pathogenic (0 of 4 stars; one submission).

Conditions:
Pyruvate dehydrogenase E1-alpha deficiency (PDHAD). Also called: ATAXIA, INTERMITTENT, WITH PYRUVATE DEHYDROGENASE DEFICIENCY; ATAXIA WITH LACTIC ACIDOSIS I; ATAXIA, INTERMITTENT, WITH ABNORMAL PYRUVATE METABOLISM; Ataxia, intermittent, with pyruvate dehydrogenase, or decarboxylase, deficiency. Identifiers: Orphanet 79243, MedGen C1839413, MONDO:0010717, OMIM 312170.

Submission:

PDHA1 Study Group, University Children’s Hospital, Paracelsus Medical University
Classification: Likely pathogenic for Pyruvate dehydrogenase E1-alpha deficiency. Last evaluated: 2024-10-15. Review status: no assertion criteria provided. Collection method: research. Allele origin: inherited. Affected: yes. Observed: 3 variant alleles.
Comment: The NM_000284.3:c.900-3_922dup (p.?) variant affects splicing in PDHA1 gene. In total, 3 individuals were diagnosed with PDHA1-related Pyruvate dehydrogenase complex (PDHc) deficiency (MIM #312170). Among them, 2 were confirmed inherited. The variant has been reported in 1 published case (PMIDs: 28918066). Additional 2 unpublished cases from internal data are included. Last literature search: July 12, 2024. This variant is absent or extremely rare in population-based cohorts in the Genome Aggregation Database (gnomAD). Individuals harboring this variant presented with clinical features compatible with PDHA1-related PDHc deficiency. In summary, this variant meets criteria to be classified as likely pathogenic (LP) for PDHA1-related PDHc deficiency based on the ACMG/AMP criteria applied: PS3, PM2, PM7 (last assessment October 15, 2024).

Literature cited by the submitters: PubMed 28918066; DOI 10.1093/brain/awaf430.